The following is an entry in ClinVar:

ClinVar aggregate classification (germline): Uncertain significance (1 of 4 stars; one submission).

gnomAD v4.1: 1 of 1,614,006 alleles (0.000062%); highest among the groups gnomAD compares: Non-Finnish European, 0.000085%; no homozygotes.

Submission:

Labcorp Genetics (formerly Invitae), Labcorp
Classification: Uncertain significance. Last evaluated: 2021-10-21. Review status: criteria provided, single submitter. Criteria: Invitae Variant Classification Sherloc (09022015). Collection method: clinical testing. Allele origin: germline.
Comment: This variant has not been reported in the literature in individuals affected with TRAK1-related conditions. In summary, the available evidence is currently insufficient to determine the role of this variant in disease. Therefore, it has been classified as a Variant of Uncertain Significance. Algorithms developed to predict the effect of missense changes on protein structure and function are either unavailable or do not agree on the potential impact of this missense change (SIFT: "Tolerated"; PolyPhen-2: "Probably Damaging"; Align-GVGD: "Class C0"). This variant is not present in population databases (ExAC no frequency). This sequence change replaces methionine with valine at codon 923 of the TRAK1 protein (p.Met923Val). The methionine residue is moderately conserved and there is a small physicochemical difference between methionine and valine.

NM_001042646.3(TRAK1):c.2767A>G (p.Met923Val)

Gene: TRAK1 (trafficking kinesin protein 1; plus strand). Cytogenetic location: 3p22.1.
Variant type: single nucleotide variant.
Coding change: c.2767A>G on transcript NM_001042646.3 (MANE Select); coding-DNA position 2767, A replaced by G.
Protein change: p.Met923Val; replaces methionine 923 with valine.
Molecular consequence: missense variant. On other transcripts: 3 prime UTR variant (1), non-coding transcript variant (1).
Genome position (GRCh38, 1-based): chr3:42,223,642, A>G. VCF-style: chr3-42223642-A-G. GRCh37 (hg19) VCF-style: chr3-42265134-A-G.
Other names: c.2392A>G, p.Met798Val (NM_001349245.1); c.2704A>G, p.Met902Val (NM_001349246.2); c.*721A>G (NM_001349247.2); c.2482A>G, p.Met828Val (NM_001349248.1); c.2545A>G, p.Met849Val (NM_001349249.1); short protein forms M902V, M828V, M849V, M923V, M798V.
Identifiers: ClinVar variation 1383652 (VCV001383652.6), dbSNP rs2149555987, ClinGen allele CA352250847.